The following is an entry in ClinVar:

NM_020549.5(CHAT):c.526G>A (p.Gly176Ser)

Gene: CHAT (choline O-acetyltransferase; plus strand). Cytogenetic location: 10q11.23.
Variant type: single nucleotide variant.
Coding change: c.526G>A on transcript NM_020549.5 (MANE Select); coding-DNA position 526, G replaced by A.
Protein change: p.Gly176Ser; replaces glycine 176 with serine.
Molecular consequence: missense variant.
Genome position (GRCh38, 1-based): chr10:49,619,863, G>A. VCF-style: chr10-49619863-G-A. GRCh37 (hg19) VCF-style: chr10-50827909-G-A.
Other names: c.172G>A, p.Gly58Ser (NM_001142929.2, NM_001142934.2, NM_020984.4 and 2 more transcripts); c.280G>A, p.Gly94Ser (NM_001142933.2); short protein forms G176S, G58S, G94S.
Identifiers: ClinVar variation 3242064 (VCV003242064.1), dbSNP rs374586812.

ClinVar aggregate classification (germline): Uncertain significance (1 of 4 stars; one submission).

Conditions:
Familial infantile myasthenia (CMS6). Also called: MYASTHENIC SYNDROME, PRESYNAPTIC, CONGENITAL, ASSOCIATED WITH EPISODIC APNEA; MYASTHENIC SYNDROME, CONGENITAL, 6, PRESYNAPTIC; Congenital myasthenic syndrome type 6. Identifiers: Orphanet 590, MedGen C0393929, MONDO:0009689, OMIM 254210.

Allele frequency attached by ClinVar (database versions not stated): gnomAD 0.00001; gnomAD exomes 0.00001; TOPMed 0.00002; ExAC 0.00003; ESP Exome Variant Server 0.00008.
gnomAD v4.1: 14 of 1,613,346 alleles (0.00087%); highest among the groups gnomAD compares: East Asian, 0.0022%; no homozygotes.

Submission:

Neuberg Centre For Genomic Medicine, NCGM
Classification: Uncertain significance for Familial infantile myasthenia. Review status: criteria provided, single submitter. Criteria: ACMG Guidelines, 2015. Collection method: clinical testing. Allele origin: germline. Inheritance: Autosomal recessive inheritance. Affected: yes.
Comment: The observed missense c.526G>A(p.Gly176Ser) variant in CHAT gene has not been reported previously as a pathogenic variant nor a benign variant, to our knowledge. The p.Gly176Ser variant has been reported with allele frequency of 0.0004% in gnomAD Exomes. This variant has not been submitted to the ClinVar database. The amino acid change p.Gly176Ser in CHAT is predicted as conserved by GERP++ and PhyloP across 100 vertebrates. The amino acid Gly at position 176 is changed to a Ser changing protein sequence and it might alter its composition and physico-chemical properties. For these reasons, this variant has been classified as a Variant of Uncertain Significance (VUS).